The following is an entry in ClinVar:

NM_133259.4(LRPPRC):c.408A>G (p.Glu136=)

Gene: LRPPRC (leucine rich pentatricopeptide repeat containing; minus strand). Cytogenetic location: 2p21.
Variant type: single nucleotide variant.
Coding change: c.408A>G on transcript NM_133259.4 (MANE Select); coding-DNA position 408, A replaced by G.
Protein change: p.Glu136=; no amino-acid change (glutamic acid 136 retained).
Molecular consequence: synonymous variant.
Genome position (GRCh38, 1-based): chr2:43,979,887, T>C on the plus strand (A>G on the coding strand, the complement: LRPPRC is on the minus strand). VCF-style: chr2-43979887-T-C. GRCh37 (hg19) VCF-style: chr2-44207026-T-C.
Identifiers: ClinVar variation 392493 (VCV000392493.5), dbSNP rs769912947, ClinGen allele CA1639373.

ClinVar aggregate classification (germline): Likely benign. Review status: criteria provided, multiple submitters, no conflicts (2 of 4 stars). 2 submissions from 2 submitters: Likely benign (2). Last evaluated 2021-12-25.

Allele frequency attached by ClinVar (database versions not stated): gnomAD exomes below 0.00001 and 0.00001; ExAC 0.00001.
gnomAD v4.1: 3 of 1,613,458 alleles (0.00019%); highest among the groups gnomAD compares: Non-Finnish European, 0.00017%; no homozygotes.

Submissions (2):

Labcorp Genetics (formerly Invitae), Labcorp
Classification: Likely benign. Last evaluated: 2021-12-25. Review status: criteria provided, single submitter. Criteria: Invitae Variant Classification Sherloc (09022015). Collection method: clinical testing. Allele origin: germline.

GeneDx
Classification: Likely benign. Last evaluated: 2017-01-12. Review status: criteria provided, single submitter. Criteria: GeneDx Variant Classification (06012015). Collection method: clinical testing. Allele origin: germline. Affected: yes.
Comment: This variant is considered likely benign or benign based on one or more of the following criteria: it is a conservative change, it occurs at a poorly conserved position in the protein, it is predicted to be benign by multiple in silico algorithms, and/or has population frequency not consistent with disease.